The following is an entry in ClinVar:

ClinVar aggregate classification (germline): Pathogenic/Likely pathogenic. Review status: criteria provided, multiple submitters, no conflicts (2 of 4 stars). 15 submissions from 15 submitters: Pathogenic (8); Likely pathogenic (2). 5 of the submissions do not count toward it. Last evaluated 2026-06-09.

Conditions:
ABCA4-related disorder. Also called: ABCA4-related condition; ABCA4-related disorders. Identifiers: MedGen CN239167.
Retinal dystrophy. Also called: Inherited retinal dystrophy. Identifiers: Orphanet 71862, MedGen C0854723, MeSH D058499, MONDO:0019118, HP:0000556.
Retinitis pigmentosa (RP). Identifiers: Orphanet 791, MedGen C0035334, MeSH D012174, MONDO:0019200, OMIM 268000. Inheritance: Autosomal dominant, autosomal recessive and X linked inheritance.
Severe early-childhood-onset retinal dystrophy (STGD1). Also called: MACULAR DYSTROPHY WITH FLECKS, TYPE 1; STGD; Stargardt disease 1; Stargardt macular dystrophy; Juvenile onset macular degeneration. Identifiers: Orphanet 364055, Orphanet 827, MedGen C1855465, MeSH D000080362, MONDO:0009549, OMIM 248200.

Allele frequency attached by ClinVar (database versions not stated): gnomAD 0.00003; TOPMed 0.00001; gnomAD exomes 0.00002; ExAC 0.00002.
gnomAD v4.1: 35 of 1,614,072 alleles (0.0022%); highest among the groups gnomAD compares: Non-Finnish European, 0.0027%; no homozygotes.

Submissions (15):

PreventionGenetics, part of Exact Sciences
Classification: Pathogenic for ABCA4-related condition. Last evaluated: 2026-06-09. Review status: criteria provided, single submitter. Criteria: ACMG Guidelines, 2015. Collection method: clinical testing. Allele origin: germline.
Comment: The ABCA4 c.5381C>A variant is predicted to result in the amino acid substitution p.Ala1794Asp. This variant has been reported along with a second ABCA4 variant in multiple individuals with ABCA4-related retinal disease (see for examples: Maugeri et al. 1999. PubMed ID: 10090887; Table S1, Birtel et al. 2018. PubMed ID: 29555955; Table S1, Lin et al. 2024. PubMed ID: 38219857). A study comparing allele frequency in patients and controls has classified this variant as severe (Table S2A, Cornelis et al. 2022. PubMed ID: 35120629). This variant is present in 0.0035% of alleles in individuals of European (Non-Finnish) descent in gnomAD. This variant is interpreted as pathogenic.

Institute of Medical Genetics and Applied Genomics, University Hospital Tübingen
Classification: Pathogenic for Severe early-childhood-onset retinal dystrophy. Last evaluated: 2025-12-08. Review status: criteria provided, single submitter. Criteria: ACMG Guidelines, 2015. Collection method: clinical testing. Allele origin: germline. Inheritance: Autosomal recessive inheritance. Affected: yes.

Labcorp Genetics (formerly Invitae), Labcorp
Classification: Pathogenic. Last evaluated: 2025-11-23. Review status: criteria provided, single submitter. Criteria: Invitae Variant Classification Sherloc (09022015). Collection method: clinical testing. Allele origin: germline.
Comment: This sequence change replaces alanine, which is neutral and non-polar, with aspartic acid, which is acidic and polar, at codon 1794 of the ABCA4 protein (p.Ala1794Asp). This variant is present in population databases (rs61751406, gnomAD 0.004%). This missense change has been observed in individual(s) with ABCA4-related retinal diseases (PMID: 29555955, 30093795; internal data). In at least one individual the data is consistent with being in trans (on the opposite chromosome) from a pathogenic variant. ClinVar contains an entry for this variant (Variation ID: 99371). Invitae Evidence Modeling of protein sequence and biophysical properties (such as structural, functional, and spatial information, amino acid conservation, physicochemical variation, residue mobility, and thermodynamic stability) indicates that this missense variant is expected to disrupt ABCA4 protein function with a positive predictive value of 95%. This variant disrupts the p.Ala1794 amino acid residue in ABCA4. Other variant(s) that disrupt this residue have been determined to be pathogenic (PMID: 29847635; internal data). This suggests that this residue is clinically significant, and that variants that disrupt this residue are likely to be disease-causing. For these reasons, this variant has been classified as Pathogenic.

GeneDx
Classification: Pathogenic. Last evaluated: 2025-06-13. Review status: criteria provided, single submitter. Criteria: GeneDx Variant Classification Process June 2021. Collection method: clinical testing. Allele origin: germline. Affected: yes.
Comment: Not observed at significant frequency in large population cohorts (gnomAD); In silico analysis supports that this missense variant has a deleterious effect on protein structure/function; This variant is associated with the following publications: (PMID: 35120629, 31964843, 36672815, 28041643, 32581362, 33375396, 25363634, 10090887, 30093795, 29555955)

Women's Health and Genetics/Laboratory Corporation of America, LabCorp
Classification: Pathogenic for Retinitis pigmentosa. Last evaluated: 2024-08-21. Review status: criteria provided, single submitter. Criteria: LabCorp Variant Classification Summary - May 2015. Collection method: clinical testing. Allele origin: germline.
Comment: Variant summary: ABCA4 c.5381C>A (p.Ala1794Asp) results in a non-conservative amino acid change located in the ABC-2 type transporter, transmembrane domain (IPR013525) of the encoded protein sequence. Four of five in-silico tools predict a damaging effect of the variant on protein function. The variant allele was found at a frequency of 2e-05 in 251442 control chromosomes. c.5381C>A has been reported in the literature in multiple compound heterozygous individuals affected with Retinitis Pigmentosa and other forms of retinopathy (Maugeri_1999, Carss_2017, Birtel_2018, Salles_2018, Lynn_2023). These data indicate that the variant is very likely to be associated with disease. To our knowledge, no experimental evidence demonstrating an impact on protein function has been reported. The following publications have been ascertained in the context of this evaluation (PMID: 29555955, 28041643, 36672815, 10090887, 30093795). ClinVar contains an entry for this variant (Variation ID: 99371). Based on the evidence outlined above, the variant was classified as pathogenic.

Department of Human Genetics, Hannover Medical School
Classification: Pathogenic for Severe early-childhood-onset retinal dystrophy. Last evaluated: 2024-07-18. Review status: criteria provided, single submitter. Criteria: ACMG Guidelines, 2015. Collection method: clinical testing. Allele origin: germline. Affected: yes.

Blueprint Genetics
Classification: Pathogenic for ABCA4-related disorders. Last evaluated: 2023-12-29. Review status: criteria provided, single submitter. Criteria: ACMG Guidelines, 2015. Collection method: clinical testing. Allele origin: germline. Affected: yes. Observed: 5 variant alleles.

Institute of Medical Molecular Genetics, University of Zurich
Classification: Likely pathogenic for Severe early-childhood-onset retinal dystrophy. Last evaluated: 2021-01-30. Review status: criteria provided, single submitter. Criteria: ACMG Guidelines, 2015. Collection method: clinical testing. Allele origin: germline. Affected: yes.

Mendelics
Classification: Pathogenic for Severe early-childhood-onset retinal dystrophy. Last evaluated: 2019-05-28. Review status: criteria provided, single submitter. Criteria: Mendelics Assertion Criteria 2017. Collection method: clinical testing. Allele origin: unknown.

Institute of Human Genetics, Univ. Regensburg, Univ. Regensburg
Classification: Likely pathogenic for Retinal dystrophy. Last evaluated: 2019-01-01. Review status: criteria provided, single submitter. Criteria: ACMG Guidelines, 2015. Collection method: clinical testing. Allele origin: germline. Affected: yes.

Human Molecular Genetics Laboratory, Federal University of Parana
Classification: Likely pathogenic for Severe early-childhood-onset retinal dystrophy. Last evaluated: 2017-01-12. Review status: no assertion criteria provided. Collection method: research. Allele origin: inherited. Inheritance: Autosomal recessive inheritance. Affected: yes and no. Observed: 10 variant alleles. Clinical features observed: Macular degeneration, Retinal Flecks. Not counted in ClinVar's aggregate classification.
Comment: We suggest likely pathogenic clinical significance based on the following rationale: - Multiple lines of computational evidence support a deleterious effect (ACMG/AMP guidelines: PP3) - Co-segregation with disease in multiple affected family members (ACMG/AMP guidelines: PP1) - Almost absent in population databases (ACMG/AMP guidelines: PM2; absent from 1000genomes, 3/121412 in EXaC) - Literature data also show that this allele is present in Stargardt patients' ABCA4 genotypes.

NIHR Bioresource Rare Diseases, University of Cambridge
Classification: Likely pathogenic for Retinal dystrophy. Last evaluated: 2015-01-01. Review status: no assertion criteria provided. Collection method: research. Allele origin: unknown. Affected: yes. Observed: 1 variant allele. Not counted in ClinVar's aggregate classification.

Clinical Genetics DNA and cytogenetics Diagnostics Lab, Erasmus MC, Erasmus Medical Center
Classification: Pathogenic. Review status: no assertion criteria provided. Collection method: clinical testing. Allele origin: germline. Affected: yes. Study: VKGL Data-share Consensus. Not counted in ClinVar's aggregate classification.

Joint Genome Diagnostic Labs from Nijmegen and Maastricht, Radboudumc and MUMC+
Classification: Likely pathogenic. Review status: no assertion criteria provided. Collection method: clinical testing. Allele origin: germline. Affected: yes. Study: VKGL Data-share Consensus. Not counted in ClinVar's aggregate classification.

Retina International
No classification provided. Review status: no classification provided. Collection method: not provided. Allele origin: unknown. Not counted in ClinVar's aggregate classification.

Literature cited by the submitters: PubMed 29555955 (cited by 3 submitters); PubMed 30093795 (cited by 3 submitters); PubMed 29847635 (cited by Labcorp Genetics (formerly Invitae), Labcorp); PubMed 28041643 (cited by 3 submitters); PubMed 10090887 (cited by 3 submitters); PubMed 36672815 (cited by Women's Health and Genetics/Laboratory Corporation of America, LabCorp and Institute of Human Genetics, Univ. Regensburg, Univ. Regensburg); PubMed 33375396 (cited by Institute of Human Genetics, Univ. Regensburg, Univ. Regensburg); PubMed 31964843 (cited by Institute of Human Genetics, Univ. Regensburg, Univ. Regensburg); PubMed 32581362 (cited by Institute of Human Genetics, Univ. Regensburg, Univ. Regensburg); PMC 1287897 (cited by Human Molecular Genetics Laboratory, Federal University of Parana); PMC 4926080 (cited by Human Molecular Genetics Laboratory, Federal University of Parana); PMC 5270621 (cited by Human Molecular Genetics Laboratory, Federal University of Parana).

NM_000350.3(ABCA4):c.5381C>A (p.Ala1794Asp)

Gene: ABCA4 (ATP binding cassette subfamily A member 4; minus strand). Cytogenetic location: 1p22.1.
Variant type: single nucleotide variant.
Coding change: c.5381C>A on transcript NM_000350.3 (MANE Select); coding-DNA position 5381, C replaced by A.
Protein change: p.Ala1794Asp; replaces alanine 1794 with aspartic acid.
Molecular consequence: missense variant.
Genome position (GRCh38, 1-based): chr1:94,014,622, G>T on the plus strand (C>A on the coding strand, the complement: ABCA4 is on the minus strand). VCF-style: chr1-94014622-G-T. GRCh37 (hg19) VCF-style: chr1-94480178-G-T.
Other names: c.5159C>A, p.Ala1720Asp (NM_001425324.1); short protein forms A1794D, A1720D.
Identifiers: ClinVar variation 99371 (VCV000099371.25), dbSNP rs61751406, ClinGen allele CA227304.